The following is an entry in ClinVar:

NM_025215.6(PUS1):c.930del (p.Glu311fs)

Gene: PUS1 (pseudouridine synthase 1; plus strand). Cytogenetic location: 12q24.33.
Variant type: Deletion.
Coding change: c.930del on transcript NM_025215.6 (MANE Select); coding-DNA position 930, one base deleted (T; older notation c.930delT).
Protein change: p.Glu311fs; shifts the reading frame from glutamic acid 311.
Molecular consequence: frameshift variant.
Genome position (GRCh38, 1-based): chr12:131,941,677, T deleted. VCF-style (leftmost placement, unchanged base first): chr12-131941676-CT-C. GRCh37 (hg19) VCF-style: chr12-132426221-CT-C.
Other names: c.846del, p.Glu283fs (NM_001002019.3, NM_001002020.3); short protein forms E283fs, E311fs.
Identifiers: ClinVar variation 2788808 (VCV002788808.3), dbSNP rs2540873599, ClinGen allele CA2739277416.

ClinVar aggregate classification (germline): Pathogenic. Review status: criteria provided, multiple submitters, no conflicts (2 of 4 stars). 2 submissions from 2 submitters: Pathogenic (2). Last evaluated 2025-12-31.

Conditions:
Sulfite oxidase deficiency due to molybdenum cofactor deficiency type B1 (MOCODB1). Also called: Sulfite oxidase deficiency due to molybdenum cofactor deficiency type B; Molybdenum cofactor deficiency, complementation group B; Molybdenum cofactor deficiency B; MOLYBDENUM COFACTOR DEFICIENCY, TYPE B1. Identifiers: Orphanet 308393, Orphanet 833, MedGen C6065887, MONDO:0009644, OMIM 252160.

Submissions (2):

Kasturba Medical College, Manipal, Kasturba Medical College, Manipal, Manipal Academy of Higher Education, Manipal, India
Classification: Pathogenic for Sulfite oxidase deficiency due to molybdenum cofactor deficiency type B1. Last evaluated: 2025-12-31. Review status: criteria provided, single submitter. Criteria: ACMG Guidelines, 2015. Collection method: research. Allele origin: biparental. Inheritance: Autosomal recessive inheritance. Affected: yes. Observed: 1 homozygote.
Comment: Sanger validation showed the presence of the variant in heterozygous state in them. This variant is not reported in homozygous state in gnomAD (V4.1.0) population database and in our in-house data of 3942 exomes. This variant is reported in heterozygous state in two individuals in in-house database and absent in gnomAD. This variant is reported in ClinVar as likely pathogenic by one submitter (ClinVar accession ID: VCV002788808.2). This single base pair deletion likely causes shift in the reading frame of the transcript and introduces a premature termination codon, which may either result in a truncated protein or trigger nonsense-mediated mRNA decay.

Labcorp Genetics (formerly Invitae), Labcorp
Classification: Pathogenic. Last evaluated: 2023-05-16. Review status: criteria provided, single submitter. Criteria: Invitae Variant Classification Sherloc (09022015). Collection method: clinical testing. Allele origin: germline.
Comment: For these reasons, this variant has been classified as Pathogenic. This variant has not been reported in the literature in individuals affected with PUS1-related conditions. This variant is not present in population databases (gnomAD no frequency). This sequence change creates a premature translational stop signal (p.Glu311Argfs*81) in the PUS1 gene. It is expected to result in an absent or disrupted protein product. Loss-of-function variants in PUS1 are known to be pathogenic (PMID: 17056637, 19731322, 25058219, 26556812).

Literature cited by the submitters: PubMed 17056637 (cited by Labcorp Genetics (formerly Invitae), Labcorp); PubMed 19731322 (cited by Labcorp Genetics (formerly Invitae), Labcorp); PubMed 25058219 (cited by Labcorp Genetics (formerly Invitae), Labcorp); PubMed 26556812 (cited by Labcorp Genetics (formerly Invitae), Labcorp).